The following is an entry in ClinVar:

NM_000204.5(CFI):c.530A>T (p.Asn177Ile)

Gene: CFI (complement factor I; minus strand). Cytogenetic location: 4q25.
Variant type: single nucleotide variant.
Coding change: c.530A>T on transcript NM_000204.5 (MANE Select); coding-DNA position 530, A replaced by T.
Protein change: p.Asn177Ile; replaces asparagine 177 with isoleucine.
Molecular consequence: missense variant. On other transcripts: 5 prime UTR variant (1), non-coding transcript variant (3).
Genome position (GRCh38, 1-based): chr4:109,761,645, T>A on the plus strand (A>T on the coding strand, the complement: CFI is on the minus strand). VCF-style: chr4-109761645-T-A. GRCh37 (hg19) VCF-style: chr4-110682801-T-A.
Other names: c.530A>T, p.Asn177Ile (NM_001375283.1, NM_001318057.2, NM_001331035.2 and 5 more transcripts); c.-80A>T (NM_001375284.1); c.530A>T (NM_000204.4); short protein forms N177I.
Identifiers: ClinVar variation 1515028 (VCV001515028.12), dbSNP rs753060374, ClinGen allele CA3042236.

ClinVar aggregate classification (germline): Uncertain significance. Review status: criteria provided, multiple submitters, no conflicts (2 of 4 stars). 6 submissions from 6 submitters: Uncertain significance (6). Last evaluated 2026-04-15.

Conditions:
Age related macular degeneration 13. Identifiers: MedGen C3809523, MONDO:0014189, OMIM 615439.
Factor I deficiency (CFID). Also called: Complement factor I deficiency. Identifiers: Orphanet 200418, MedGen C3463916, MONDO:0012594, OMIM 610984.
Atypical hemolytic-uremic syndrome with I factor anomaly. Also called: HEMOLYTIC UREMIC SYNDROME, ATYPICAL, SUSCEPTIBILITY TO, 3; AHUS, SUSCEPTIBILITY TO, 3. Identifiers: Orphanet 2134, MedGen C2752039, MONDO:0013041, OMIM 612923.
C3 glomerulonephritis. Also called: C3 GLOMERULOPATHY 3; Nephropathy due to CFHR5 Deficiency. Identifiers: Orphanet 329931, MedGen C4055342, MONDO:0013892, OMIM 614809.
CFI-related disorder. Also called: CFI-related disorders; CFI-related condition. Identifiers: MedGen CN239325.

Allele frequency attached by ClinVar (database versions not stated): gnomAD 0.00002 and 0.00003; ExAC 0.00005; gnomAD exomes 0.00005 and 0.00006; TOPMed 0.00007.
gnomAD v4.1: 76 of 1,613,842 alleles (0.0047%); highest among the groups gnomAD compares: Admixed American, 0.0067%; no homozygotes.

Submissions (6):

PreventionGenetics, part of Exact Sciences
Classification: Uncertain significance for CFI-related condition. Last evaluated: 2026-04-15. Review status: criteria provided, single submitter. Criteria: ACMG Guidelines, 2015. Collection method: clinical testing. Allele origin: germline.
Comment: The CFI c.530A>T variant is predicted to result in the amino acid substitution p.Asn177Ile. This variant has been reported in multiple individuals with atypical hemolytic uremic syndrome, advanced age-related macular degeneration, or membranoproliferative glomerulonephritis (Bresin et al. 2013. PubMed ID: 23431077; Table S4, Seddon et al. 2013. PubMed ID: 24036952; Vilardouro et al. 2023. PubMed ID: 35385571) Moreover, this variant has been reported with an approximately 5-6 Kb deletion in the CFI gene in an individual (the mother of two siblings who have complete complement factor 1 deficiency) with partial complement factor 1 deficiency, suggesting that this variant may be benign (Alba-Domínguez et al. 2012. PubMed ID: 22710145). In vitro experimental studies of this variant are inconclusive (de Jong et al. 2020. PubMed ID: 32510551; Java et al. 2020. PubMed ID: 32908800). This variant is reported in 0.0093% of alleles in individuals of European (Non-Finnish) descent in gnomAD. At this time, the clinical significance of this variant is uncertain due to the absence of conclusive functional and genetic evidence.

Genomenon, Inc
Classification: Uncertain significance for CFI-related disorder. Last evaluated: 2025-09-26. Review status: criteria provided, single submitter. Criteria: Genomenon Sequence Variant Interpretation Standards - Updated. Collection method: curation. Allele origin: germline. Affected: yes.
Comment: CFI p.Asn177Ile (c.530A>T) is a missense variant that changes the amino acid at residue 177 from Asparagine to Isoleucine. This variant has been observed in at least one proband affected with a CFI-related disorder (PMID:23431077;35385571;33387344;35619721;32510551). Functional studies have been reported; however, the significance of the findings remain unclear (PMID:32510551;32908800). It is absent or not present at a significant frequency in gnomAD. In silico models agree that this variant is not damaging. In conclusion, we classify CFI p.Asn177Ile (c.530A>T) as a variant of unknown significance.

Labcorp Genetics (formerly Invitae), Labcorp
Classification: Uncertain significance. Last evaluated: 2025-07-29. Review status: criteria provided, single submitter. Criteria: Invitae Variant Classification Sherloc (09022015). Collection method: clinical testing. Allele origin: germline.
Comment: This sequence change replaces asparagine, which is neutral and polar, with isoleucine, which is neutral and non-polar, at codon 177 of the CFI protein (p.Asn177Ile). This variant is present in population databases (rs753060374, gnomAD 0.009%). This missense change has been observed in individual(s) with atypical hemolytic uremic syndrome (PMID: 22710145, 23431077, 24036952). ClinVar contains an entry for this variant (Variation ID: 1515028). Invitae Evidence Modeling of protein sequence and biophysical properties (such as structural, functional, and spatial information, amino acid conservation, physicochemical variation, residue mobility, and thermodynamic stability) indicates that this missense variant is not expected to disrupt CFI protein function with a negative predictive value of 80%. In summary, the available evidence is currently insufficient to determine the role of this variant in disease. Therefore, it has been classified as a Variant of Uncertain Significance.

Blueprint Genetics
Classification: Uncertain significance. Last evaluated: 2024-08-22. Review status: criteria provided, single submitter. Criteria: ACMG Guidelines, 2015. Collection method: clinical testing. Allele origin: germline.

Fulgent Genetics
Classification: Uncertain significance for Factor I deficiency; Atypical hemolytic-uremic syndrome with I factor anomaly; Age related macular degeneration 13. Last evaluated: 2024-05-16. Review status: criteria provided, single submitter. Criteria: ACMG Guidelines, 2015. Collection method: clinical testing. Allele origin: germline.

Department of Pathology and Laboratory Medicine, Sinai Health System
Classification: Uncertain significance for C3 glomerulonephritis. Last evaluated: 2020-06-23. Review status: criteria provided, single submitter. Criteria: ACMG Guidelines, 2015. Collection method: research. Allele origin: germline.

Literature cited by the submitters: PubMed 23431077 (cited by Genomenon, Inc and Labcorp Genetics (formerly Invitae), Labcorp); 35385571 (cited by Genomenon, Inc); 33387344 (cited by Genomenon, Inc); 35619721 (cited by Genomenon, Inc); 32510551 (cited by Genomenon, Inc); 32908800 (cited by Genomenon, Inc); PubMed 22710145 (cited by Labcorp Genetics (formerly Invitae), Labcorp); PubMed 24036952 (cited by Labcorp Genetics (formerly Invitae), Labcorp).